The following is an entry in ClinVar:

NM_014249.4(NR2E3):c.1100+1133G>A

Gene: NR2E3 (nuclear receptor subfamily 2 group E member 3; plus strand). Cytogenetic location: 15q23.
Variant type: single nucleotide variant.
Coding change: c.1100+1133G>A on transcript NM_014249.4 (MANE Select); 1133 bases into the intron after coding-DNA position 1100, G replaced by A.
Molecular consequence: intron variant.
Genome position (GRCh38, 1-based): chr15:71,815,250, G>A. VCF-style: chr15-71815250-G-A. GRCh37 (hg19) VCF-style: chr15-72107591-G-A.
Identifiers: ClinVar variation 4984257 (VCV004984257.1).

ClinVar aggregate classification (germline): Likely benign (1 of 4 stars; one submission).

Conditions:
NR2E3-related disorder. Also called: NR2E3-related condition; NR2E3-related disorders. Identifiers: MedGen CN239387.

Submission:

PreventionGenetics, part of Exact Sciences
Classification: Likely benign for NR2E3-related condition. Last evaluated: 2026-08-11. Review status: criteria provided, single submitter. Criteria: ACMG Guidelines, 2015. Collection method: clinical testing. Allele origin: germline.
Comment: This variant is classified as likely benign based on ACMG/AMP sequence variant interpretation guidelines (Richards et al. 2015 PMID: 25741868, with internal and published modifications).